The following is an entry in ClinVar:

NM_000693.4(ALDH1A3):c.1392-42T>A

Genes: ALDH1A3 (aldehyde dehydrogenase 1 family member A3; plus strand), ALDH1A3-AS1 (ALDH1A3 antisense RNA 1; minus strand). Cytogenetic location: 15q26.3.
Variant type: single nucleotide variant.
Coding change: c.1392-42T>A on transcript NM_000693.4 (MANE Select); 42 bases into the intron before coding-DNA position 1392, T replaced by A.
Molecular consequence: intron variant.
Genome position (GRCh38, 1-based): chr15:100,908,366, T>A. VCF-style: chr15-100908366-T-A. GRCh37 (hg19) VCF-style: chr15-101448571-T-A.
Other names: c.1071-42T>A (NM_001293815.2).
Identifiers: ClinVar variation 677159 (VCV000677159.2), dbSNP rs4646686, ClinGen allele CA7760379.

ClinVar aggregate classification (germline): Benign. Review status: criteria provided, multiple submitters, no conflicts (2 of 4 stars). 2 submissions from 2 submitters: Benign (2). Last evaluated 2018-06-19.

Allele frequency attached by ClinVar (database versions not stated): ESP Exome Variant Server 0.12794; gnomAD 0.14542 and 0.15194; TOPMed 0.15230; gnomAD exomes 0.17724; 1000 Genomes Project 30x 0.18832; ExAC 0.18908; 1000 Genomes Project 0.19469.
gnomAD v4.1: 272,469 of 1,556,214 alleles (18%); highest among the groups gnomAD compares: East Asian, 51%; 27,915 homozygotes.

Submissions (2):

GeneDx
Classification: Benign. Last evaluated: 2018-06-19. Review status: criteria provided, single submitter. Criteria: GeneDx Variant Classification (06012015). Collection method: clinical testing. Allele origin: germline. Affected: yes.
Comment: This variant is considered likely benign or benign based on one or more of the following criteria: it is a conservative change, it occurs at a poorly conserved position in the protein, it is predicted to be benign by multiple in silico algorithms, and/or has population frequency not consistent with disease.

Breakthrough Genomics
Classification: Benign. Review status: criteria provided, single submitter. Criteria: ACMG Guidelines, 2015. Collection method: not provided. Allele origin: germline. Inheritance: Autosomal recessive inheritance. Affected: yes.